The following is an entry in ClinVar:

ClinVar aggregate classification (germline): Conflicting classifications of pathogenicity. Review status: criteria provided, conflicting classifications (1 of 4 stars). 3 submissions from 3 submitters: Uncertain significance (2); Likely benign (1). Last evaluated 2025-01-19.

Conditions:
Inborn genetic diseases. Identifiers: MedGen C0950123, MeSH D030342.

Allele frequency attached by ClinVar (database versions not stated): gnomAD exomes below 0.00001; ExAC 0.00001; TOPMed 0.00002.
gnomAD v4.1: 8 of 1,613,756 alleles (0.0005%); highest among the groups gnomAD compares: East Asian, 0.0022%; no homozygotes.

Submissions (3):

Ambry Genetics
Classification: Uncertain significance for Inborn genetic diseases. Last evaluated: 2025-01-19. Review status: criteria provided, single submitter. Criteria: Ambry Variant Classification Scheme 2023. Collection method: clinical testing. Allele origin: germline.
Comment: The p.R1043H variant (also known as c.3128G>A), located in coding exon 24 of the ANKRD26 gene, results from a G to A substitution at nucleotide position 3128. The arginine at codon 1043 is replaced by histidine, an amino acid with highly similar properties. This amino acid position is conserved. In addition, this alteration is predicted to be tolerated by in silico analysis. Based on the available evidence, the clinical significance of this variant remains unclear.

Labcorp Genetics (formerly Invitae), Labcorp
Classification: Uncertain significance. Last evaluated: 2023-10-07. Review status: criteria provided, single submitter. Criteria: Invitae Variant Classification Sherloc (09022015). Collection method: clinical testing. Allele origin: germline.
Comment: This sequence change replaces arginine, which is basic and polar, with histidine, which is basic and polar, at codon 1043 of the ANKRD26 protein (p.Arg1043His). This variant is present in population databases (rs780361039, gnomAD 0.006%). This variant has not been reported in the literature in individuals affected with ANKRD26-related conditions. Algorithms developed to predict the effect of missense changes on protein structure and function output the following: SIFT: "Not Available"; PolyPhen-2: "Benign"; Align-GVGD: "Not Available". The histidine amino acid residue is found in multiple mammalian species, which suggests that this missense change does not adversely affect protein function. In summary, the available evidence is currently insufficient to determine the role of this variant in disease. Therefore, it has been classified as a Variant of Uncertain Significance.

Blueprint Genetics
Classification: Likely benign. Last evaluated: 2021-09-30. Review status: criteria provided, single submitter. Criteria: ACMG Guidelines, 2015. Collection method: clinical testing. Allele origin: germline.

NM_014915.3(ANKRD26):c.3128G>A (p.Arg1043His)

Gene: ANKRD26 (ankyrin repeat domain 26; minus strand). Cytogenetic location: 10p12.1.
Variant type: single nucleotide variant.
Coding change: c.3128G>A on transcript NM_014915.3 (MANE Select); coding-DNA position 3128, G replaced by A.
Protein change: p.Arg1043His; replaces arginine 1043 with histidine.
Molecular consequence: missense variant.
Genome position (GRCh38, 1-based): chr10:27,035,322, C>T on the plus strand (G>A on the coding strand, the complement: ANKRD26 is on the minus strand). VCF-style: chr10-27035322-C-T. GRCh37 (hg19) VCF-style: chr10-27324251-C-T.
Other names: c.3125G>A, p.Arg1042His (NM_001256053.2); short protein forms R1042H, R1043H.
Identifiers: ClinVar variation 2883931 (VCV002883931.5), dbSNP rs780361039, ClinGen allele CA5448091.